The following is an entry in ClinVar:

ClinVar aggregate classification (germline): Uncertain significance (1 of 4 stars; one submission).

Submission:

Ambry Genetics
Classification: Uncertain significance. Last evaluated: 2024-06-21. Review status: criteria provided, single submitter. Criteria: Ambry Variant Classification Scheme 2023. Collection method: clinical testing. Allele origin: germline.
Comment: The p.F732L variant (also known as c.2194T>C), located in coding exon 20 of the PRKDC gene, results from a T to C substitution at nucleotide position 2194. The phenylalanine at codon 732 is replaced by leucine, an amino acid with highly similar properties. This amino acid position is conserved. In addition, the in silico prediction for this alteration is inconclusive. Based on the available evidence, the clinical significance of this variant remains unclear.

NM_006904.7(PRKDC):c.2194T>C (p.Phe732Leu)

Gene: PRKDC (protein kinase, DNA-activated, catalytic subunit; minus strand). Cytogenetic location: 8q11.21.
Variant type: single nucleotide variant.
Coding change: c.2194T>C on transcript NM_006904.7 (MANE Select); coding-DNA position 2194, T replaced by C.
Protein change: p.Phe732Leu; replaces phenylalanine 732 with leucine.
Molecular consequence: missense variant.
Genome position (GRCh38, 1-based): chr8:47,927,836, A>G on the plus strand (T>C on the coding strand, the complement: PRKDC is on the minus strand). VCF-style: chr8-47927836-A-G. GRCh37 (hg19) VCF-style: chr8-48840396-A-G.
Other names: c.2194T>C, p.Phe732Leu (NM_001081640.2); short protein forms F732L.
Identifiers: ClinVar variation 3310190 (VCV003310190.1).